The following is an entry in ClinVar:

NM_016138.5(COQ7):c.505C>G (p.Gln169Glu)

Gene: COQ7 (coenzyme Q7, hydroxylase; plus strand). Cytogenetic location: 16p12.3.
Variant type: single nucleotide variant.
Coding change: c.505C>G on transcript NM_016138.5 (MANE Select); coding-DNA position 505, C replaced by G.
Protein change: p.Gln169Glu; replaces glutamine 169 with glutamic acid.
Molecular consequence: missense variant. On other transcripts: non-coding transcript variant (3).
Genome position (GRCh38, 1-based): chr16:19,075,858, C>G. VCF-style: chr16-19075858-C-G. GRCh37 (hg19) VCF-style: chr16-19087180-C-G.
Other names: c.391C>G, p.Gln131Glu (NM_001190983.2, NM_001370492.1, NM_001370493.1 and 2 more transcripts); c.463C>G, p.Gln155Glu (NM_001370489.1, NM_001370491.1); c.505C>G, p.Gln169Glu (NM_001370490.1); short protein forms Q169E, Q155E, Q131E.
Identifiers: ClinVar variation 1366257 (VCV001366257.8), dbSNP rs150852870, ClinGen allele CA394923685.
Genomic context (GRCh38, chr16:19,075,858, plus strand): 5'-TACAACAACCAGATCAGGACGCTGATGGAGGAGGACCCTGAAAAATACGAGGAACTTCTT[C>G]AGGTATTTATCCGTGCTCTAGAACGGGGCTGCTCAAGGAGGAAAATGGCAGATAGCAATT-3'
Protein context (NP_057222.2, residues 159-179): EDPEKYEELL[Gln169Glu]LIKKFRDEEL

ClinVar aggregate classification (germline): Uncertain significance (1 of 4 stars; one submission).

gnomAD v4.1: 4 of 1,614,202 alleles (0.00025%); highest among the groups gnomAD compares: Non-Finnish European, 0.00017%; no homozygotes.

Submission:

Labcorp Genetics (formerly Invitae), Labcorp
Classification: Uncertain significance. Last evaluated: 2025-01-13. Review status: criteria provided, single submitter. Criteria: Invitae Variant Classification Sherloc (09022015). Collection method: clinical testing. Allele origin: germline.
Comment: This sequence change replaces glutamine, which is neutral and polar, with glutamic acid, which is acidic and polar, at codon 169 of the COQ7 protein (p.Gln169Glu). This variant is not present in population databases (gnomAD no frequency). This variant has not been reported in the literature in individuals affected with COQ7-related conditions. ClinVar contains an entry for this variant (Variation ID: 1366257). An algorithm developed to predict the effect of missense changes on protein structure and function (PolyPhen-2) suggests that this variant is likely to be tolerated. In summary, the available evidence is currently insufficient to determine the role of this variant in disease. Therefore, it has been classified as a Variant of Uncertain Significance.